The following is an entry in ClinVar:

ClinVar aggregate classification (germline): Uncertain significance (1 of 4 stars; one submission).

Conditions:
Inborn genetic diseases. Identifiers: MedGen C0950123, MeSH D030342.

gnomAD v4.1: 1 of 1,614,242 alleles (0.000062%); highest among the groups gnomAD compares: Non-Finnish European, 0.000085%; no homozygotes.

Submission:

Ambry Genetics
Classification: Uncertain significance for Inborn genetic diseases. Last evaluated: 2025-06-19. Review status: criteria provided, single submitter. Criteria: Ambry Variant Classification Scheme 2023. Collection method: clinical testing. Allele origin: germline.
Comment: The p.T1018A variant (also known as c.3052A>G), located in coding exon 13 of the ASXL1 gene, results from an A to G substitution at nucleotide position 3052. The threonine at codon 1018 is replaced by alanine, an amino acid with similar properties. This amino acid position is conserved. In addition, this alteration is predicted to be tolerated by in silico analysis. Based on the available evidence, the clinical significance of this variant remains unclear.

NM_015338.6(ASXL1):c.3052A>G (p.Thr1018Ala)

Gene: ASXL1 (ASXL transcriptional regulator 1; plus strand). Cytogenetic location: 20q11.21.
Variant type: single nucleotide variant.
Coding change: c.3052A>G on transcript NM_015338.6 (MANE Select); coding-DNA position 3052, A replaced by G.
Protein change: p.Thr1018Ala; replaces threonine 1018 with alanine.
Molecular consequence: missense variant.
Genome position (GRCh38, 1-based): chr20:32,435,764, A>G. VCF-style: chr20-32435764-A-G. GRCh37 (hg19) VCF-style: chr20-31023567-A-G.
Other names: c.2869A>G, p.Thr957Ala (NM_001363734.1); short protein forms T1018A, T957A.
Identifiers: ClinVar variation 4157739 (VCV004157739.1).